The following is an entry in ClinVar:

NM_003803.4(MYOM1):c.4211A>G (p.His1404Arg)

Gene: MYOM1 (myomesin 1; minus strand). Cytogenetic location: 18p11.31.
Variant type: single nucleotide variant.
Coding change: c.4211A>G on transcript NM_003803.4 (MANE Select); coding-DNA position 4211, A replaced by G.
Protein change: p.His1404Arg; replaces histidine 1404 with arginine.
Molecular consequence: missense variant.
Genome position (GRCh38, 1-based): chr18:3,086,078, T>C on the plus strand (A>G on the coding strand, the complement: MYOM1 is on the minus strand). VCF-style: chr18-3086078-T-C. GRCh37 (hg19) VCF-style: chr18-3086076-T-C.
Other names: c.3923A>G, p.His1308Arg (NM_019856.2); short protein forms H1404R, H1308R.
Identifiers: ClinVar variation 1738756 (VCV001738756.4), dbSNP rs980539903, ClinGen allele CA295543308.

ClinVar aggregate classification (germline): Uncertain significance. Review status: criteria provided, multiple submitters, no conflicts (2 of 4 stars). 2 submissions from 2 submitters: Uncertain significance (2). Last evaluated 2025-08-08.

Allele frequency attached by ClinVar (database versions not stated): TOPMed 0.00002; gnomAD 0.00001.
gnomAD v4.1: 1 of 1,611,630 alleles (0.000062%); highest among the groups gnomAD compares: Non-Finnish European, 0.000085%; no homozygotes.

Submissions (2):

Ambry Genetics
Classification: Uncertain significance. Last evaluated: 2025-08-08. Review status: criteria provided, single submitter. Criteria: Ambry Variant Classification Scheme 2023. Collection method: clinical testing. Allele origin: germline.

Center for Genomics, Ann and Robert H. Lurie Children's Hospital of Chicago
Classification: Uncertain significance. Last evaluated: 2021-03-30. Review status: criteria provided, single submitter. Criteria: ACMG Guidelines, 2015. Collection method: clinical testing. Allele origin: germline.
Comment: MYOM1 NM_003803.3 exon 30 p.His1404Arg (c.4211A>G): This variant has not been reported in the literature and is not present in large control databases. Evolutionary conservation and computational predictive tools suggest that this variant may impact the protein. In summary, data on this variant is insufficient for disease classification. Therefore, the clinical significance of this variant is uncertain.